The following is an entry in ClinVar:

ClinVar aggregate classification (germline): Uncertain significance. Review status: criteria provided, multiple submitters, no conflicts (2 of 4 stars). 2 submissions from 2 submitters: Uncertain significance (2). Last evaluated 2026-02-24.

Conditions:
Hereditary cancer-predisposing syndrome. Also called: Neoplastic Syndromes, Hereditary; Tumor predisposition; Hereditary Cancer Syndrome; Hereditary neoplastic syndrome. Identifiers: Orphanet 140162, MedGen C0027672, MeSH D009386, MONDO:0015356.
Carney complex, type 1 (CNC1). Also called: CARNEY MYXOMA-ENDOCRINE COMPLEX; CARNEY COMPLEX, TYPE I. Identifiers: Orphanet 1359, MedGen C2607929, MONDO:0008057, OMIM 160980.

Allele frequency attached by ClinVar (database versions not stated): ExAC 0.00001; gnomAD exomes 0.00001.
gnomAD v4.1: 3 of 1,613,042 alleles (0.00019%); highest among the groups gnomAD compares: South Asian, 0.0022%; no homozygotes.

Submissions (2):

Ambry Genetics
Classification: Uncertain significance for Hereditary cancer-predisposing syndrome. Last evaluated: 2026-02-24. Review status: criteria provided, single submitter. Criteria: Ambry Variant Classification Scheme 2023. Collection method: clinical testing. Allele origin: germline.
Comment: The p.R42G variant (also known as c.124C>G), located in coding exon 1 of the PRKAR1A gene, results from a C to G substitution at nucleotide position 124. The arginine at codon 42 is replaced by glycine, an amino acid with dissimilar properties. This amino acid position is well conserved in available vertebrate species. In addition, the in silico prediction for this alteration is inconclusive. Based on the available evidence, the clinical significance of this variant remains unclear.

Labcorp Genetics (formerly Invitae), Labcorp
Classification: Uncertain significance for Carney complex, type 1. Last evaluated: 2025-02-09. Review status: criteria provided, single submitter. Criteria: Invitae Variant Classification Sherloc (09022015). Collection method: clinical testing. Allele origin: germline.
Comment: This sequence change replaces arginine, which is basic and polar, with glycine, which is neutral and non-polar, at codon 42 of the PRKAR1A protein (p.Arg42Gly). This variant is present in population databases (rs281864782, gnomAD 0.003%). This variant has not been reported in the literature in individuals affected with PRKAR1A-related conditions. ClinVar contains an entry for this variant (Variation ID: 1504882). Invitae Evidence Modeling of protein sequence and biophysical properties (such as structural, functional, and spatial information, amino acid conservation, physicochemical variation, residue mobility, and thermodynamic stability) has been performed for this missense variant. However, the output from this modeling did not meet the statistical confidence thresholds required to predict the impact of this variant on PRKAR1A protein function. In summary, the available evidence is currently insufficient to determine the role of this variant in disease. Therefore, it has been classified as a Variant of Uncertain Significance.

NM_002734.5(PRKAR1A):c.124C>G (p.Arg42Gly)

Gene: PRKAR1A (protein kinase cAMP-dependent type I regulatory subunit alpha; plus strand). Cytogenetic location: 17q24.2.
Variant type: single nucleotide variant.
Coding change: c.124C>G on transcript NM_002734.5 (MANE Select); coding-DNA position 124, C replaced by G.
Protein change: p.Arg42Gly; replaces arginine 42 with glycine.
Molecular consequence: missense variant.
Genome position (GRCh38, 1-based): chr17:68,515,523, C>G. VCF-style: chr17-68515523-C-G. GRCh37 (hg19) VCF-style: chr17-66511664-C-G.
Other names: c.124C>G, p.Arg42Gly (NM_001276289.2, NM_001276290.1, NM_001278433.2 and 4 more transcripts); c.124C>G (NM_002734.3); short protein forms R42G.
Identifiers: ClinVar variation 1504882 (VCV001504882.7), dbSNP rs281864782, ClinGen allele CA8729161.